The following is an entry in ClinVar:

ClinVar aggregate classification (germline): Uncertain significance (1 of 4 stars; one submission).

gnomAD v4.1: 595 of 1,587,316 alleles (0.037%); highest among the groups gnomAD compares: Middle Eastern, 0.42%; 3 homozygotes.

Submission:

CeGaT Center for Human Genetics Tuebingen
Classification: Uncertain significance. Last evaluated: 2025-03-01. Review status: criteria provided, single submitter. Criteria: CeGaT Center For Human Genetics Tuebingen Variant Classification Criteria Version 2. Collection method: clinical testing. Allele origin: germline. Affected: yes. Observed: 1 variant allele.
Comment: UBR2: PP2, BP4

NM_001363705.2(UBR2):c.4384A>G (p.Thr1462Ala)

Gene: UBR2 (ubiquitin protein ligase E3 component n-recognin 2; plus strand). Cytogenetic location: 6p21.1.
Variant type: single nucleotide variant.
Coding change: c.4384A>G on transcript NM_001363705.2 (MANE Select); coding-DNA position 4384, A replaced by G.
Protein change: p.Thr1462Ala; replaces threonine 1462 with alanine.
Molecular consequence: missense variant.
Genome position (GRCh38, 1-based): chr6:42,676,188, A>G. VCF-style: chr6-42676188-A-G. GRCh37 (hg19) VCF-style: chr6-42643926-A-G.
Other names: c.4384A>G, p.Thr1462Ala (NM_015255.3); short protein forms T1462A.
Identifiers: ClinVar variation 3777847 (VCV003777847.7).